The following is an entry in ClinVar:

ClinVar aggregate classification (germline): Benign/Likely benign. Review status: criteria provided, multiple submitters, no conflicts (2 of 4 stars). 3 submissions from 3 submitters: Benign (1); Likely benign (2). Last evaluated 2024-11-06.

Conditions:
Hereditary cancer-predisposing syndrome. Also called: Hereditary Cancer Syndrome; Tumor predisposition; Hereditary neoplastic syndrome; Neoplastic Syndromes, Hereditary. Identifiers: Orphanet 140162, MedGen C0027672, MeSH D009386, MONDO:0015356.
Renal cell carcinoma. Identifiers: Orphanet 217071, MedGen C0007134, MeSH D002292, MONDO:0005086, HP:0005584.
Papillary renal cell carcinoma type 1 (RCCP1). Also called: Renal adenocarcinoma; Renal cell carcinoma 1; Renal cell carcinoma, somatic; RENAL CELL CARCINOMA, PAPILLARY, 1, SOMATIC. Identifiers: Orphanet 47044, MedGen C1336839, OMIM 605074, HP:0011797.

Allele frequency attached by ClinVar (database versions not stated): gnomAD exomes below 0.00001; gnomAD 0.00001.
gnomAD v4.1: 3 of 1,613,898 alleles (0.00019%); highest among the groups gnomAD compares: Non-Finnish European, 0.00025%; no homozygotes.

Submissions (3):

Myriad Genetics, Inc.
Classification: Benign for Papillary renal cell carcinoma type 1. Last evaluated: 2024-11-06. Review status: criteria provided, single submitter. Criteria: Myriad Autosomal Dominant, Autosomal Recessive and X-Linked Classification Criteria (2023). Collection method: clinical testing. Allele origin: unknown.
Comment: This variant is considered benign. This variant is a silent/synonymous amino acid change and it is not expected to impact splicing.

Labcorp Genetics (formerly Invitae), Labcorp
Classification: Likely benign for Renal cell carcinoma. Last evaluated: 2024-10-30. Review status: criteria provided, single submitter. Criteria: Invitae Variant Classification Sherloc (09022015). Collection method: clinical testing. Allele origin: germline.

Ambry Genetics
Classification: Likely benign for Hereditary cancer-predisposing syndrome. Last evaluated: 2023-01-16. Review status: criteria provided, single submitter. Criteria: Ambry Variant Classification Scheme 2023. Collection method: clinical testing. Allele origin: germline.

NM_000245.4(MET):c.297G>A (p.Gln99=)

Gene: MET (MET proto-oncogene, receptor tyrosine kinase; plus strand). Cytogenetic location: 7q31.2.
Variant type: single nucleotide variant.
Coding change: c.297G>A on transcript NM_000245.4 (MANE Select); coding-DNA position 297, G replaced by A.
Protein change: p.Gln99=; no amino-acid change (glutamine 99 retained).
Molecular consequence: synonymous variant. On other transcripts: intron variant (1).
Genome position (GRCh38, 1-based): chr7:116,699,381, G>A. VCF-style: chr7-116699381-G-A. GRCh37 (hg19) VCF-style: chr7-116339435-G-A.
Other names: c.297G>A, p.Gln99= (NM_001127500.3, NM_001324401.3); c.-91+26804G>A (NM_001324402.2).
Identifiers: ClinVar variation 646643 (VCV000646643.13), dbSNP rs1584876390, ClinGen allele CA457447622.